The following is an entry in ClinVar:

ClinVar aggregate classification (germline): Likely benign. Review status: criteria provided, multiple submitters, no conflicts (2 of 4 stars). 3 submissions from 3 submitters: Likely benign (2). 1 of the submissions does not count toward it. Last evaluated 2022-08-31.

Conditions:
CDKL5-related disorder.
Developmental and epileptic encephalopathy, 2 (DEE2). Also called: INFANTILE SPASM SYNDROME, X-LINKED 2; CDKL5 deficiency disorder. Identifiers: Orphanet 1934, Orphanet 3451, Orphanet 505652, MedGen C4750718, MONDO:0010396, OMIM 300672.
Angelman syndrome-like. Identifiers: MedGen CN128785.

Allele frequency attached by ClinVar (database versions not stated): TOPMed below 0.00001; ExAC 0.00001; gnomAD 0.00001; gnomAD exomes 0.00002 and 0.00005.

Submissions (3):

Labcorp Genetics (formerly Invitae), Labcorp
Classification: Likely benign for Developmental and epileptic encephalopathy, 2; Angelman syndrome-like. Last evaluated: 2022-08-31. Review status: criteria provided, single submitter. Criteria: Invitae Variant Classification Sherloc (09022015). Collection method: clinical testing. Allele origin: germline.

GeneDx
Classification: Likely benign. Last evaluated: 2019-11-22. Review status: criteria provided, single submitter. Criteria: GeneDx Variant Classification Process June 2021. Collection method: clinical testing. Allele origin: germline. Affected: yes.

PreventionGenetics, part of Exact Sciences
Classification: Likely benign for CDKL5-related condition. Last evaluated: 2019-08-14. Review status: no assertion criteria provided. Collection method: clinical testing. Allele origin: germline. Not counted in ClinVar's aggregate classification.
Comment: This variant is classified as likely benign based on ACMG/AMP sequence variant interpretation guidelines (Richards et al. 2015 PMID: 25741868, with internal and published modifications).

NM_001323289.2(CDKL5):c.1692T>C (p.His564=)

Gene: CDKL5 (cyclin dependent kinase like 5; plus strand). Cytogenetic location: Xp22.13.
Variant type: single nucleotide variant.
Coding change: c.1692T>C on transcript NM_001323289.2 (MANE Select); coding-DNA position 1692, T replaced by C.
Protein change: p.His564=; no amino-acid change (histidine 564 retained).
Molecular consequence: synonymous variant.
Genome position (GRCh38, 1-based): chrX:18,604,616, T>C. VCF-style: chrX-18604616-T-C. GRCh37 (hg19) VCF-style: chrX-18622736-T-C.
Other names: c.1692T>C, p.His564= (NM_001037343.2, NM_003159.3).
Identifiers: ClinVar variation 533391 (VCV000533391.16), dbSNP rs765011302, ClinGen allele CA10360406.